The following is an entry in ClinVar:

ClinVar aggregate classification (germline): Conflicting classifications of pathogenicity. Review status: criteria provided, conflicting classifications (1 of 4 stars). 4 submissions from 4 submitters: Uncertain significance (1); Likely benign (2). 1 of the submissions does not count toward it. Last evaluated 2026-01-21.

Conditions:
CCDC88C-related disorder. Also called: CCDC88C-Related Disorders; CCDC88C-related condition.
Inborn genetic diseases. Identifiers: MedGen C0950123, MeSH D030342.

Allele frequency attached by ClinVar (database versions not stated): 1000 Genomes Project 0.00020; 1000 Genomes Project 30x 0.00031; ExAC 0.00040; gnomAD 0.00045; ESP Exome Variant Server 0.00051.
gnomAD v4.1: 176 of 1,577,062 alleles (0.011%); highest among the groups gnomAD compares: African/African-American, 0.19%; 1 homozygote.

Submissions (4):

Labcorp Genetics (formerly Invitae), Labcorp
Classification: Likely benign. Last evaluated: 2026-01-21. Review status: criteria provided, single submitter. Criteria: Invitae Variant Classification Sherloc (09022015). Collection method: clinical testing. Allele origin: germline.

Ambry Genetics
Classification: Likely benign for Inborn genetic diseases. Last evaluated: 2023-01-23. Review status: criteria provided, single submitter. Criteria: Ambry Variant Classification Scheme 2023. Collection method: clinical testing. Allele origin: germline.

Revvity Omics, Revvity
Classification: Uncertain significance. Last evaluated: 2020-05-19. Review status: criteria provided, single submitter. Criteria: ACMG Guidelines, 2015. Collection method: clinical testing. Allele origin: germline.

PreventionGenetics, part of Exact Sciences
Classification: Likely benign for CCDC88C-related condition. Last evaluated: 2024-02-27. Review status: no assertion criteria provided. Collection method: clinical testing. Allele origin: germline. Not counted in ClinVar's aggregate classification.
Comment: This variant is classified as likely benign based on ACMG/AMP sequence variant interpretation guidelines (Richards et al. 2015 PMID: 25741868, with internal and published modifications).

NM_001080414.4(CCDC88C):c.5578C>T (p.Arg1860Trp)

Gene: CCDC88C (coiled-coil and HOOK domain protein 88C; minus strand). Cytogenetic location: 14q32.11.
Variant type: single nucleotide variant.
Coding change: c.5578C>T on transcript NM_001080414.4 (MANE Select); coding-DNA position 5578, C replaced by T.
Protein change: p.Arg1860Trp; replaces arginine 1860 with tryptophan.
Molecular consequence: missense variant.
Genome position (GRCh38, 1-based): chr14:91,273,134, G>A on the plus strand (C>T on the coding strand, the complement: CCDC88C is on the minus strand). VCF-style: chr14-91273134-G-A. GRCh37 (hg19) VCF-style: chr14-91739478-G-A.
Other names: c.5578C>T (NM_001080414.3); short protein forms R1860W.
Identifiers: ClinVar variation 2077942 (VCV002077942.10), dbSNP rs200488874, ClinGen allele CA7308629.